The following is an entry in ClinVar:

NM_000051.4(ATM):c.2660A>C (p.Glu887Ala)

Gene: ATM (ATM serine/threonine kinase; plus strand). Cytogenetic location: 11q22.3.
Variant type: single nucleotide variant.
Coding change: c.2660A>C on transcript NM_000051.4 (MANE Select); coding-DNA position 2660, A replaced by C.
Protein change: p.Glu887Ala; replaces glutamic acid 887 with alanine.
Molecular consequence: missense variant.
Genome position (GRCh38, 1-based): chr11:108,268,431, A>C. VCF-style: chr11-108268431-A-C. GRCh37 (hg19) VCF-style: chr11-108139158-A-C.
Other names: c.2660A>C, p.Glu887Ala (NM_001351834.2); short protein forms E887A.
Identifiers: ClinVar variation 2118948 (VCV002118948.4), dbSNP rs3205810, ClinGen allele CA382545058.

ClinVar aggregate classification (germline): Uncertain significance (1 of 4 stars; one submission).

Conditions:
Ataxia-telangiectasia syndrome (AT). Also called: Ataxia-telangiectasia; AT, COMPLEMENTATION GROUP C; ATAXIA-TELANGIECTASIA, COMPLEMENTATION GROUP A; ATAXIA-TELANGIECTASIA, FRESNO VARIANT; Ataxia-telangiectasia, complementation group E; LOUIS-BAR SYNDROME. Identifiers: Orphanet 100, MedGen C0004135, MONDO:0008840, OMIM 208900.

Submission:

Labcorp Genetics (formerly Invitae), Labcorp
Classification: Uncertain significance for Ataxia-telangiectasia syndrome. Last evaluated: 2024-06-17. Review status: criteria provided, single submitter. Criteria: Invitae Variant Classification Sherloc (09022015). Collection method: clinical testing. Allele origin: germline.
Comment: This sequence change replaces glutamic acid, which is acidic and polar, with alanine, which is neutral and non-polar, at codon 887 of the ATM protein (p.Glu887Ala). This variant is not present in population databases (gnomAD no frequency). This variant has not been reported in the literature in individuals affected with ATM-related conditions. ClinVar contains an entry for this variant (Variation ID: 2118948). Algorithms developed to predict the effect of missense changes on protein structure and function output the following: SIFT: "Not Available"; PolyPhen-2: "Benign"; Align-GVGD: "Not Available". The alanine amino acid residue is found in multiple mammalian species, which suggests that this missense change does not adversely affect protein function. In summary, the available evidence is currently insufficient to determine the role of this variant in disease. Therefore, it has been classified as a Variant of Uncertain Significance.